The following is an entry in ClinVar:

ClinVar aggregate classification (germline): Conflicting classifications of pathogenicity. Review status: criteria provided, conflicting classifications (1 of 4 stars). 5 submissions from 5 submitters: Uncertain significance (4); Benign (1). Last evaluated 2025-04-07.

Conditions:
Primary ciliary dyskinesia. Also called: Ciliary dyskinesia. Identifiers: Orphanet 244, MedGen C0008780, MONDO:0016575, HP:0012265.
Primary ciliary dyskinesia 7. Also called: CILIARY DYSKINESIA, PRIMARY, 7, WITH OR WITHOUT SITUS INVERSUS. Identifiers: Orphanet 244, MedGen C2678473, MONDO:0012748, OMIM 611884.

Allele frequency attached by ClinVar (database versions not stated): gnomAD exomes 0.00002; TOPMed 0.00005; gnomAD 0.00006; 1000 Genomes Project 30x 0.00016.
gnomAD v4.1: 46 of 1,613,684 alleles (0.0029%); highest among the groups gnomAD compares: East Asian, 0.031%; no homozygotes.

Submissions (5):

Labcorp Genetics (formerly Invitae), Labcorp
Classification: Benign for Primary ciliary dyskinesia. Last evaluated: 2025-04-07. Review status: criteria provided, single submitter. Criteria: Invitae Variant Classification Sherloc (09022015). Collection method: clinical testing. Allele origin: germline.

GeneDx
Classification: Uncertain significance. Last evaluated: 2024-05-31. Review status: criteria provided, single submitter. Criteria: GeneDx Variant Classification Process June 2021. Collection method: clinical testing. Allele origin: germline. Affected: yes.
Comment: In silico analysis supports that this missense variant has a deleterious effect on protein structure/function; Has not been previously published as pathogenic or benign to our knowledge

Ambry Genetics
Classification: Uncertain significance for Primary ciliary dyskinesia. Last evaluated: 2022-02-20. Review status: criteria provided, single submitter. Criteria: Ambry Variant Classification Scheme 2023. Collection method: clinical testing. Allele origin: germline.
Comment: The p.V2172L variant (also known as c.6514G>C), located in coding exon 39 of the DNAH11 gene, results from a G to C substitution at nucleotide position 6514. The valine at codon 2172 is replaced by leucine, an amino acid with highly similar properties. This amino acid position is conserved. In addition, this alteration is predicted to be tolerated by in silico analysis. Since supporting evidence is limited at this time, the clinical significance of this alteration remains unclear.

Fulgent Genetics
Classification: Uncertain significance for Primary ciliary dyskinesia 7. Last evaluated: 2021-07-07. Review status: criteria provided, single submitter. Criteria: ACMG Guidelines, 2015. Collection method: clinical testing. Allele origin: unknown.

Victorian Clinical Genetics Services, Murdoch Childrens Research Institute
Classification: Uncertain significance for Primary ciliary dyskinesia 7. Last evaluated: 2020-05-21. Review status: criteria provided, single submitter. Criteria: ACMG Guidelines, 2015. Collection method: clinical testing. Allele origin: germline. Inheritance: Autosomal recessive inheritance.
Comment: Based on the classification scheme VCGS_Germline_v1.1.1, this variant is classified as VUS – 3B. Following criteria are met: 0102 - Loss-of-function is a known mechanism of disease for this gene. (N) 0106 - This gene is known to be associated with autosomal recessive disease. (N) 0200 - Variant is predicted to result in a missense amino acid change from valine to leucine (exon 39). (N) 0251 - Variant is heterozygous. (N) 0304 - Variant is present in gnomAD <0.01 for a recessive condition (8 heterozygotes, 0 homozygotes). (P) 0502 - Missense variant with conflicting in silico predictions and/or uninformative conservation. (N) 0600 - Variant is located in an annotated domain or motif, (AAA domain; PDB, NCBI). (N) 0705 - No comparable variants have previous evidence for pathogenicity. (N) 0804 - Variant has previously been described as variant of uncertain significance (ClinVar). (N) 0905 - No segregation evidence has been identified for this variant, in the literature. (N) 1007 - No published functional evidence has been identified for this variant. (N) 1208 - Inheritance information for this variant is not currently available. (N) Legend: (P) - Pathogenic, (N) - Neutral, (B) - Benign

NM_001277115.2(DNAH11):c.6514G>C (p.Val2172Leu)

Gene: DNAH11 (dynein axonemal heavy chain 11; plus strand). Cytogenetic location: 7p15.3.
Variant type: single nucleotide variant.
Coding change: c.6514G>C on transcript NM_001277115.2 (MANE Select); coding-DNA position 6514, G replaced by C.
Protein change: p.Val2172Leu; replaces valine 2172 with leucine.
Molecular consequence: missense variant.
Genome position (GRCh38, 1-based): chr7:21,705,505, G>C. VCF-style: chr7-21705505-G-C. GRCh37 (hg19) VCF-style: chr7-21745123-G-C.
Other names: short protein forms V2172L.
Identifiers: ClinVar variation 410879 (VCV000410879.15), dbSNP rs375008007, ClinGen allele CA16612170.